The following is an entry in ClinVar:

ClinVar aggregate classification (germline): Likely benign (1 of 4 stars; one submission).

Submission:

CeGaT Center for Human Genetics Tuebingen
Classification: Likely benign. Last evaluated: 2025-02-01. Review status: criteria provided, single submitter. Criteria: CeGaT Center For Human Genetics Tuebingen Variant Classification Criteria Version 2. Collection method: clinical testing. Allele origin: germline. Affected: yes. Observed: 1 variant allele.
Comment: TIMP1: PM2:Supporting, BP4, BP7

NM_003254.3(TIMP1):c.328+23T>G

Genes: SYN1 (synapsin I; minus strand), TIMP1 (TIMP metallopeptidase inhibitor 1; plus strand). Cytogenetic location: Xp11.3.
Variant type: single nucleotide variant.
Coding change: c.328+23T>G on transcript NM_003254.3 (MANE Select); 23 bases into the intron after coding-DNA position 328, T replaced by G.
Molecular consequence: intron variant.
Genome position (GRCh38, 1-based): chrX:47,585,354, T>G. VCF-style: chrX-47585354-T-G. GRCh37 (hg19) VCF-style: chrX-47444753-T-G.
Other names: c.775-7853A>C (NM_133499.2, NM_006950.3).
Identifiers: ClinVar variation 3771559 (VCV003771559.13).
Genomic context (GRCh38, chrX:47,585,354, plus strand): 5'-CAGGTCCCACAACCGCAGCGAGGAGTTTCTCATTGCTGGTGAGGCACCGTCCCCGCGCCC[T>G]GTGCCACACCAACCAGTCCCTGGGGCGCGGCCTAGCAACCACGAGGGGGCGAGGCTCTGA-3'